The following is an entry in ClinVar:

ClinVar aggregate classification (germline): Conflicting classifications of pathogenicity. Review status: criteria provided, conflicting classifications (1 of 4 stars). 2 submissions from 2 submitters: Uncertain significance (1); Likely benign (1). Last evaluated 2023-03-23.

Conditions:
Hereditary cancer-predisposing syndrome. Also called: Hereditary Cancer Syndrome; Tumor predisposition; Neoplastic Syndromes, Hereditary; Hereditary neoplastic syndrome. Identifiers: Orphanet 140162, MedGen C0027672, MeSH D009386, MONDO:0015356.

Allele frequency attached by ClinVar (database versions not stated): gnomAD exomes below 0.00001.
gnomAD v4.1: 2 of 1,590,260 alleles (0.00013%); highest among the groups gnomAD compares: Non-Finnish European, 0.00017%; no homozygotes.

Submissions (2):

University of Washington Department of Laboratory Medicine, University of Washington
Classification: Likely benign for Hereditary cancer-predisposing syndrome. Last evaluated: 2023-03-23. Review status: criteria provided, single submitter. Criteria: Dines et al. (Genet Med. 2020). Collection method: curation. Allele origin: germline.
Comment: Missense variant in a coldspot region where missense variants are very unlikely to be pathogenic (PMID:31911673).

BRCA2 exon 11 coldspot. Reclassification based on statistical prior probability.

Quest Diagnostics Nichols Institute San Juan Capistrano
Classification: Uncertain significance. Last evaluated: 2021-04-29. Review status: criteria provided, single submitter. Criteria: Quest Diagnostics criteria. Collection method: clinical testing. Allele origin: unknown.

NM_000059.4(BRCA2):c.2654A>T (p.Asp885Val)

Gene: BRCA2 (BRCA2 DNA repair associated; plus strand). Cytogenetic location: 13q13.1.
Variant type: single nucleotide variant.
Coding change: c.2654A>T on transcript NM_000059.4 (MANE Select); coding-DNA position 2654, A replaced by T.
Protein change: p.Asp885Val; replaces aspartic acid 885 with valine.
Molecular consequence: missense variant.
Genome position (GRCh38, 1-based): chr13:32,337,009, A>T. VCF-style: chr13-32337009-A-T. GRCh37 (hg19) VCF-style: chr13-32911146-A-T.
Other names: short protein forms D885V.
Identifiers: ClinVar variation 1330118 (VCV001330118.3), dbSNP rs398122750, ClinGen allele CA387773316.